The following is an entry in ClinVar:

NM_000204.5(CFI):c.574A>G (p.Ser192Gly)

Gene: CFI (complement factor I; minus strand). Cytogenetic location: 4q25.
Variant type: single nucleotide variant.
Coding change: c.574A>G on transcript NM_000204.5 (MANE Select); coding-DNA position 574, A replaced by G.
Protein change: p.Ser192Gly; replaces serine 192 with glycine.
Molecular consequence: missense variant. On other transcripts: 5 prime UTR variant (1), non-coding transcript variant (3).
Genome position (GRCh38, 1-based): chr4:109,761,601, T>C on the plus strand (A>G on the coding strand, the complement: CFI is on the minus strand). VCF-style: chr4-109761601-T-C. GRCh37 (hg19) VCF-style: chr4-110682757-T-C.
Other names: c.574A>G, p.Ser192Gly (NM_001318057.2, NM_001331035.2, NM_001375278.1 and 5 more transcripts); c.-36A>G (NM_001375284.1); short protein forms S192G.
Identifiers: ClinVar variation 2092415 (VCV002092415.4), dbSNP rs2545439505, ClinGen allele CA357862804.

ClinVar aggregate classification (germline): Uncertain significance (1 of 4 stars; one submission).

Submission:

Labcorp Genetics (formerly Invitae), Labcorp
Classification: Uncertain significance. Last evaluated: 2022-02-03. Review status: criteria provided, single submitter. Criteria: Invitae Variant Classification Sherloc (09022015). Collection method: clinical testing. Allele origin: germline.
Comment: In summary, the available evidence is currently insufficient to determine the role of this variant in disease. Therefore, it has been classified as a Variant of Uncertain Significance. Advanced modeling of protein sequence and biophysical properties (such as structural, functional, and spatial information, amino acid conservation, physicochemical variation, residue mobility, and thermodynamic stability) performed at Invitae indicates that this missense variant is not expected to disrupt CFI protein function. This variant has not been reported in the literature in individuals affected with CFI-related conditions. This variant is not present in population databases (gnomAD no frequency). This sequence change replaces serine, which is neutral and polar, with glycine, which is neutral and non-polar, at codon 192 of the CFI protein (p.Ser192Gly).